The following is an entry in ClinVar:

NM_018451.5(CPAP):c.3130G>C (p.Val1044Leu)

Gene: CPAP (centrosome assembly and centriole elongation protein; minus strand). Cytogenetic location: 13q12.12.
Variant type: single nucleotide variant.
Coding change: c.3130G>C on transcript NM_018451.5 (MANE Select); coding-DNA position 3130, G replaced by C.
Protein change: p.Val1044Leu; replaces valine 1044 with leucine.
Molecular consequence: missense variant. On other transcripts: non-coding transcript variant (2).
Genome position (GRCh38, 1-based): chr13:24,892,729, C>G on the plus strand (G>C on the coding strand, the complement: CPAP is on the minus strand). VCF-style: chr13-24892729-C-G. GRCh37 (hg19) VCF-style: chr13-25466867-C-G.
Other names: short protein forms V1044L.
Identifiers: ClinVar variation 2106831 (VCV002106831.4), dbSNP rs1954193641, ClinGen allele CA387580176.

ClinVar aggregate classification (germline): Uncertain significance (1 of 4 stars; one submission).

Submission:

Labcorp Genetics (formerly Invitae), Labcorp
Classification: Uncertain significance. Last evaluated: 2022-06-13. Review status: criteria provided, single submitter. Criteria: Invitae Variant Classification Sherloc (09022015). Collection method: clinical testing. Allele origin: germline.
Comment: This variant is not present in population databases (gnomAD no frequency). In summary, the available evidence is currently insufficient to determine the role of this variant in disease. Therefore, it has been classified as a Variant of Uncertain Significance. Algorithms developed to predict the effect of missense changes on protein structure and function (SIFT, PolyPhen-2, Align-GVGD) all suggest that this variant is likely to be tolerated. This variant has not been reported in the literature in individuals affected with CENPJ-related conditions. This sequence change replaces valine, which is neutral and non-polar, with leucine, which is neutral and non-polar, at codon 1044 of the CENPJ protein (p.Val1044Leu).